The following is an entry in ClinVar:

ClinVar aggregate classification (germline): Uncertain significance (0 of 4 stars; one submission).

Conditions:
Prostate cancer. Also called: Malignant tumor of prostate. Identifiers: Orphanet 1331, MedGen C0376358, MONDO:0008315, HP:0012125.

Submission:

Science for Life laboratory,  Karolinska Institutet
Classification: Uncertain significance for Malignant tumor of prostate. Review status: no assertion criteria provided. Collection method: not provided. Allele origin: somatic.
Comment: TumorID:SWE-3
ClinVar note: Converted during submission from Unknown to Uncertain significance.

NM_001146312.3(MYOCD):c.2678del (p.Lys893fs)

Genes: ARHGAP44-AS1 (ARHGAP44 and MYOCD antisense RNA 1; minus strand), MYOCD (myocardin; plus strand). Cytogenetic location: 17p12.
Variant type: Deletion.
Coding change: c.2678del on transcript NM_001146312.3 (MANE Select); coding-DNA position 2678, one base deleted (A; older notation c.2678delA).
Protein change: p.Lys893fs; shifts the reading frame from lysine 893.
Molecular consequence: frameshift variant. On other transcripts: non-coding transcript variant (1).
Genome position (GRCh38, 1-based): chr17:12,763,361, A deleted; the last of 2 consecutive A bases (chr17:12,763,360-12,763,361); deleting either gives the same sequence. VCF-style (leftmost placement, unchanged base first): chr17-12763359-GA-G. GRCh37 (hg19) VCF-style: chr17-12666676-GA-G.
Other names: c.2441del, p.Lys814fs (NM_001378306.1); c.2534del, p.Lys845fs (NM_153604.4); short protein forms K845fs, K893fs, K814fs.
Identifiers: ClinVar variation 161824 (VCV000161824.2), dbSNP rs193920964, ClinGen allele CA174854.